The following is an entry in ClinVar:

NM_000535.7(PMS2):c.2193A>C (p.Leu731Phe)

Gene: PMS2 (PMS1 homolog 2, mismatch repair system component; minus strand). Cytogenetic location: 7p22.1.
Variant type: single nucleotide variant.
Coding change: c.2193A>C on transcript NM_000535.7 (MANE Select); coding-DNA position 2193, A replaced by C.
Protein change: p.Leu731Phe; replaces leucine 731 with phenylalanine.
Molecular consequence: missense variant. On other transcripts: non-coding transcript variant (1), intron variant (2).
Genome position (GRCh38, 1-based): chr7:5,978,678, T>G on the plus strand (A>C on the coding strand, the complement: PMS2 is on the minus strand). VCF-style: chr7-5978678-T-G. GRCh37 (hg19) VCF-style: chr7-6018309-T-G.
Other names: c.1788A>C, p.Leu596Phe (NM_001322003.2, NM_001322004.2, NM_001322005.2 and 14 more transcripts); c.2037A>C, p.Leu679Phe (NM_001322006.2, NM_001406870.1); c.1875A>C, p.Leu625Phe (NM_001322007.2, NM_001322008.2, NM_001406876.1 and 1 more transcripts); c.1632A>C, p.Leu544Phe (NM_001322010.2, NM_001406906.1, NM_001406907.1); c.1260A>C, p.Leu420Phe (NM_001322011.2, NM_001322012.2); c.1620A>C, p.Leu540Phe (NM_001322013.2, NM_001406908.1, NM_001406909.1); c.2193A>C, p.Leu731Phe (NM_001322014.2); c.1884A>C, p.Leu628Phe (NM_001322015.2, NM_001406875.1, NM_001406877.1 and 5 more transcripts); and 16 more; short protein forms L330F, L420F, L474F, L569F, L625F, L665F, L695F, L540F.
Identifiers: ClinVar variation 3421496 (VCV003421496.1).

ClinVar aggregate classification (germline): Uncertain significance (1 of 4 stars; one submission).

Conditions:
Hereditary cancer-predisposing syndrome. Also called: Neoplastic Syndromes, Hereditary; Tumor predisposition; Hereditary Cancer Syndrome; Hereditary neoplastic syndrome. Identifiers: Orphanet 140162, MedGen C0027672, MeSH D009386, MONDO:0015356.

Submission:

Ambry Genetics
Classification: Uncertain significance for Hereditary cancer-predisposing syndrome. Last evaluated: 2024-08-24. Review status: criteria provided, single submitter. Criteria: Ambry Variant Classification Scheme 2023. Collection method: clinical testing. Allele origin: germline.
Comment: The p.L731F variant (also known as c.2193A>C), located in coding exon 13 of the PMS2 gene, results from an A to C substitution at nucleotide position 2193. The leucine at codon 731 is replaced by phenylalanine, an amino acid with highly similar properties. This amino acid position is conserved. In addition, this alteration is predicted to be deleterious by in silico analysis. Based on the available evidence, the clinical significance of this variant remains unclear.